The following is an entry in ClinVar:

NM_000090.4(COL3A1):c.3550C>T (p.Pro1184Ser)

Gene: COL3A1 (collagen type III alpha 1 chain; plus strand). Cytogenetic location: 2q32.2.
Variant type: single nucleotide variant.
Coding change: c.3550C>T on transcript NM_000090.4 (MANE Select); coding-DNA position 3550, C replaced by T.
Protein change: p.Pro1184Ser; replaces proline 1184 with serine.
Molecular consequence: missense variant.
Genome position (GRCh38, 1-based): chr2:189,008,948, C>T. VCF-style: chr2-189008948-C-T. GRCh37 (hg19) VCF-style: chr2-189873674-C-T.
Other names: short protein forms P1184S.
Identifiers: ClinVar variation 4823656 (VCV004823656.4).

ClinVar aggregate classification (germline): Uncertain significance (1 of 4 stars; one submission).

gnomAD v4.1: 1 of 1,614,052 alleles (0.000062%); highest among the groups gnomAD compares: Non-Finnish European, 0.000085%; no homozygotes.

Submission:

CeGaT Center for Human Genetics Tuebingen
Classification: Uncertain significance. Last evaluated: 2026-03-01. Review status: criteria provided, single submitter. Criteria: CeGaT Center For Human Genetics Tuebingen Variant Classification Criteria Version 2. Collection method: clinical testing. Allele origin: germline. Affected: yes. Observed: 1 variant allele.
Comment: COL3A1: PM2:Supporting